The following is an entry in ClinVar:

NM_002709.3(PPP1CB):c.146C>G (p.Pro49Arg)

Gene: PPP1CB (protein phosphatase 1 catalytic subunit beta; plus strand). Cytogenetic location: 2p23.2.
Variant type: single nucleotide variant.
Coding change: c.146C>G on transcript NM_002709.3 (MANE Select); coding-DNA position 146, C replaced by G.
Protein change: p.Pro49Arg; replaces proline 49 with arginine.
Molecular consequence: missense variant.
Genome position (GRCh38, 1-based): chr2:28,776,944, C>G. VCF-style: chr2-28776944-C-G. GRCh37 (hg19) VCF-style: chr2-28999810-C-G.
Other names: NM_002709.3(PPP1CB):c.146C>G; c.146C>G, p.Pro49Arg (NM_206876.2); short protein forms P49R.
Identifiers: ClinVar variation 254648 (VCV000254648.86), dbSNP rs886037952, ClinGen allele CA10586682.

ClinVar aggregate classification (germline): Pathogenic. Review status: reviewed by expert panel (3 of 4 stars). 35 submissions from 33 submitters: Pathogenic (1). 34 of the submissions do not count toward it. Last evaluated 2024-09-17.

Conditions:
Noonan syndrome-like disorder with loose anagen hair 2 (NSLH2). Identifiers: MedGen C4479577, MONDO:0054588, OMIM 617506.
PPP1CB-related disorder. Also called: PPP1CB-related condition.
Cardiovascular phenotype. Identifiers: MedGen CN230736.
Inborn genetic diseases. Identifiers: MedGen C0950123, MeSH D030342.
RASopathy. Also called: Noonan spectrum disorder; rasopathies. Identifiers: Orphanet 536391, MedGen C5555857, MONDO:0021060.
Dandy-Walker syndrome (DWS). Identifiers: Orphanet 217, MedGen C0010964, MeSH D003616, MONDO:0009072, OMIM 220200.
Noonan syndrome (NS). Also called: Noonan's syndrome. Identifiers: Orphanet 648, MedGen C0028326, MeSH D009634, MONDO:0018997. Disease mechanism: gain of function.
Neurodevelopmental delay. Identifiers: MedGen C4022738, HP:0012758.

Submissions 1 to 7 of 35:

ClinGen RASopathy Variant Curation Expert Panel
Classification: Pathogenic for RASopathy. Last evaluated: 2024-09-17. Review status: reviewed by expert panel. Criteria: ClinGen RASopathy ACMG Specifications PPP1CB V1.1.0. Collection method: curation. Allele origin: germline. Inheritance: Autosomal dominant inheritance.
Comment: The c.146C>G (Pro49Arg) variant in PPP1CB is a missense variant predicted to cause substitution of proline by arginine at amino acid 49. This variant is absent from gnomAD v4 (PM2_Supporting). PPP1CB, in which the variant was identified, is defined by the ClinGen RASopathy VCEP as a gene that has a low rate of benign missense variation and where pathogenic missense variants are a common mechanism of disease (PP2). The missense Z-score is 4.33 which is above the threshold set by the Rasopathy VCEP. The computational predictor REVEL gives a score of 0.438, which is neither above nor below the thresholds predicting a damaging or benign impact on PPP1CB function. This variant has been reported in 13 probands with features of RASopathy (PS4; PMIDs: 27264673, 27681385, 27868344, 28211982, 30368668, 32476286). This variant has been identified as a de novo occurrence with confirmed parental relationships in 9 individuals and as a de novo occurrence with unconfirmed parental relationships in 2 individuals with features of RASopathy (PS2_VeryStrong; PMIDs: 27264673, 27681385, 27868344). In summary, this variant meets the criteria to be classified as pathogenic for autosomal dominant RASopathy based on the ACMG/AMP criteria applied, as specified by the ClinGen RASopathy VCEP: PS2_VS, PS4, PM2_P, PP2. (RASopathy VCEP specifications version 1.1; 9/17/2024)

CeGaT Center for Human Genetics Tuebingen
Classification: Pathogenic. Last evaluated: 2026-08-01. Review status: criteria provided, single submitter. Criteria: CeGaT Center For Human Genetics Tuebingen Variant Classification Criteria Version 2. Collection method: clinical testing. Allele origin: germline. Affected: yes. Observed: 5 variant alleles. Not counted in ClinVar's aggregate classification.
Comment: PPP1CB: PS2, PS4, PM2, PP2

PreventionGenetics, part of Exact Sciences
Classification: Pathogenic for PPP1CB-related condition. Last evaluated: 2026-06-07. Review status: criteria provided, single submitter. Criteria: ACMG Guidelines, 2015. Collection method: clinical testing. Allele origin: germline. Not counted in ClinVar's aggregate classification.
Comment: The PPP1CB c.146C>G variant is predicted to result in the amino acid substitution p.Pro49Arg. This variant has been reported as a de novo variant in several individuals with Noonan-like syndrome with loose anagen hair, intellectual disability and developmental delay, or Dandy-Walker malformation (Gripp et al. 2016. PubMed ID: 27264673; Ma et al. 2016. PubMed ID: 27681385; Tables S5 and S9, Aldinger et al. 2019. PubMed ID: 31474318; Leite et al. 2022. PubMed ID: 35390071). This variant has not been reported in a large population database (gnomAD), indicating it is rare. This variant has been classified as pathogenic by the ClinGen RASopathy variant curation expert panel (Variation ID: 254648). This variant is interpreted as pathogenic.

Labcorp Genetics (formerly Invitae), Labcorp
Classification: Pathogenic. Last evaluated: 2025-11-02. Review status: criteria provided, single submitter. Criteria: Invitae Variant Classification Sherloc (09022015). Collection method: clinical testing. Allele origin: germline. Not counted in ClinVar's aggregate classification.
Comment: This sequence change replaces proline, which is neutral and non-polar, with arginine, which is basic and polar, at codon 49 of the PPP1CB protein (p.Pro49Arg). This variant is not present in population databases (gnomAD no frequency). This missense change has been observed in individual(s) with Noonan syndrome-like disorder with loose anagen hair (NSLDH) (PMID: 27264673, 27681385, 27868344, 28211982). In at least one individual the variant was observed to be de novo. ClinVar contains an entry for this variant (Variation ID: 254648). Invitae Evidence Modeling of protein sequence and biophysical properties (such as structural, functional, and spatial information, amino acid conservation, physicochemical variation, residue mobility, and thermodynamic stability) has been performed for this missense variant. However, the output from this modeling did not meet the statistical confidence thresholds required to predict the impact of this variant on PPP1CB protein function. For these reasons, this variant has been classified as Pathogenic.

Centro Nacional de Genética Medica, Administración Nacional de Laboratorios e Institutos de Salud (ANLIS) “Dr. Carlos G Malbrán”
Classification: Pathogenic for Noonan syndrome-like disorder with loose anagen hair 2. Last evaluated: 2025-08-27. Review status: criteria provided, single submitter. Criteria: ACMG Guidelines, 2015. Collection method: clinical testing. Allele origin: germline. Affected: yes. Observed: 1 variant allele. Not counted in ClinVar's aggregate classification.
Comment: The genetic variant c.146C>G in the canonical transcript NM_002709.3 was identified in exon 2/8 of the PPP1CB gene, resulting in the amino acid substitution p.Pro49Arg. This missense variant replaces proline, a neutral and nonpolar amino acid whose cyclic structure imposes conformational constraints and often introduces bends or turns within proteins, with arginine, a larger, positively charged, highly polar amino acid possessing a flexible side chain. These substantial physicochemical differences are predicted to affect the structure and/or function of the PP1 protein. Bertola et al. (2017) (PMID: 28211982) identified the recurrent p.Pro49Arg variant in PPP1CB. The variant has been reported as de novo in nine individuals with confirmed maternity and paternity (PMID: 27264673; PMID: 27681385; PMID: 27868344) (PS2). The variant has been described in 11 publications and in 30 ClinVar submissions, where it has consistently been classified as pathogenic or likely pathogenic. It is the most frequently reported pathogenic variant in PPP1CB (PS4_Moderate). The variant is located within the STPPase (serine/threonine phosphatase) domain (Pfam entry: PF16891). Several authors, including Gripp et al. (2016) (PMID: 27264673), who specifically investigated this variant, have proposed a gain-of-function mechanism whereby the p.Pro49Arg substitution promotes a more stable and prolonged interaction between SHOC2, PP1, and MRAS. This results in enhanced and sustained dephosphorylation of RAF at residue Ser259, leading to increased activation of the RAS/MAPK signaling pathway (PMID: 26446362; PMID: 23875798; PMID: 16630891) (PM1). The identified variant is absent from population databases such as gnomAD, ExAC, and the 1000 Genomes Project (PM2_Supporting). PPP1CB exhibits intolerance to missense variation, with a missense constraint Z-score of 4.74 reported in the gnomAD database, supporting missense variation as an established disease mechanism for this gene (PP2).

3billion
Classification: Pathogenic for Noonan syndrome-like disorder with loose anagen hair 2. Last evaluated: 2025-08-20. Review status: criteria provided, single submitter. Criteria: ACMG Guidelines, 2015. Collection method: clinical testing. Allele origin: germline. Affected: yes. Not counted in ClinVar's aggregate classification.
Comment: The variant is not observed in the gnomAD v4.1.0 dataset. Predicted Consequence/Location: Missense variant. Missense changes are a common disease-causing mechanism. In silico tool predictions suggest damaging effect of the variant on gene or gene product [3Cnet: 0.92 (> 0.75, sensitivity 0.96 and precision 0.92)]. The same nucleotide change resulting in the same amino acid change has been previously reported as pathogenic/likely pathogenic with strong evidence (ClinVar ID: VCV000254648 /PMID: 27264673 /3billion dataset). The variant has been previously reported as de novo in at least two similarly affected unrelated individuals (PMID: 27264673, 28211982). The variant has been observed in multiple (>3) similarly affected unrelated individuals (PMID: 27264673, 27681385, 28211982). Therefore, this variant is classified as Pathogenic according to the recommendation of ACMG/AMP guideline.

Dasa
Classification: Pathogenic. Last evaluated: 2025-05-05. Review status: criteria provided, single submitter. Criteria: DASA Assertion Criteria. Collection method: clinical testing. Allele origin: germline. Not counted in ClinVar's aggregate classification.
Comment: NM_002709.3(PPP1CB):c.146C>G (p.Pro49Arg) is a missense variant that results in the substitution of proline with arginine. De novo occurrence has been reported in an individual with related phenotype. This variant has been recurrently observed in individuals with related phenotype (PMID: 27264673; PMID: 33491856; PMID: 27681385; PMID: 29493581). The variant is present at low frequency in population datasets. Based on the available data, this variant is classified as pathogenic.